The following is an entry in ClinVar:

NM_004990.4(MARS1):c.1535A>G (p.Asp512Gly)

Gene: MARS1 (methionyl-tRNA synthetase 1; plus strand). Cytogenetic location: 12q13.3.
Variant type: single nucleotide variant.
Coding change: c.1535A>G on transcript NM_004990.4 (MANE Select); coding-DNA position 1535, A replaced by G.
Protein change: p.Asp512Gly; replaces aspartic acid 512 with glycine.
Molecular consequence: missense variant.
Genome position (GRCh38, 1-based): chr12:57,511,864, A>G. VCF-style: chr12-57511864-A-G. GRCh37 (hg19) VCF-style: chr12-57905647-A-G.
Other names: short protein forms D512G.
Identifiers: ClinVar variation 835640 (VCV000835640.10), dbSNP rs567401794, ClinGen allele CA237768118.

ClinVar aggregate classification (germline): Uncertain significance (1 of 4 stars; one submission).

Conditions:
Charcot-Marie-Tooth disease axonal type 2U. Also called: CHARCOT-MARIE-TOOTH NEUROPATHY, TYPE 2U; CHARCOT-MARIE-TOOTH DISEASE, AXONAL, AUTOSOMAL DOMINANT, TYPE 2U. Identifiers: Orphanet 397735, MedGen C4084821, MONDO:0014566, OMIM 616280.
Severe early-onset pulmonary alveolar proteinosis due to MARS deficiency. Also called: PULMONARY ALVEOLAR PROTEINOSIS, REUNION ISLAND; Interstitial lung and liver disease. Identifiers: Orphanet 440427, MedGen C4225400, MONDO:0014206, OMIM 615486.

Allele frequency attached by ClinVar (database versions not stated): gnomAD exomes below 0.00001; gnomAD 0.00001; 1000 Genomes Project 30x 0.00016; 1000 Genomes Project 0.00020.
gnomAD v4.1: 1 of 1,613,916 alleles (0.000062%); highest among the groups gnomAD compares: Admixed American, 0.0017%; no homozygotes.

Submission:

Labcorp Genetics (formerly Invitae), Labcorp
Classification: Uncertain significance for Charcot-Marie-Tooth disease axonal type 2U; Severe early-onset pulmonary alveolar proteinosis due to MARS deficiency. Last evaluated: 2019-12-05. Review status: criteria provided, single submitter. Criteria: Invitae Variant Classification Sherloc (09022015). Collection method: clinical testing. Allele origin: germline.
Comment: This sequence change replaces aspartic acid with glycine at codon 512 of the MARS protein (p.Asp512Gly). The aspartic acid residue is highly conserved and there is a moderate physicochemical difference between aspartic acid and glycine. In summary, the available evidence is currently insufficient to determine the role of this variant in disease. Therefore, it has been classified as a Variant of Uncertain Significance. Algorithms developed to predict the effect of missense changes on protein structure and function are either unavailable or do not agree on the potential impact of this missense change (SIFT: "Tolerated"; PolyPhen-2: "Benign"; Align-GVGD: "Class C0"). This variant has not been reported in the literature in individuals with MARS-related conditions. This variant is not present in population databases (ExAC no frequency).